The following is an entry in ClinVar:

NM_024537.4(CARS2):c.1646C>T (p.Thr549Met)

Gene: CARS2 (cysteinyl-tRNA synthetase 2, mitochondrial; minus strand). Cytogenetic location: 13q34.
Variant type: single nucleotide variant.
Coding change: c.1646C>T on transcript NM_024537.4 (MANE Select); coding-DNA position 1646, C replaced by T.
Protein change: p.Thr549Met; replaces threonine 549 with methionine.
Molecular consequence: missense variant. On other transcripts: non-coding transcript variant (2).
Genome position (GRCh38, 1-based): chr13:110,641,586, G>A on the plus strand (C>T on the coding strand, the complement: CARS2 is on the minus strand). VCF-style: chr13-110641586-G-A. GRCh37 (hg19) VCF-style: chr13-111293933-G-A.
Other names: c.860C>T, p.Thr287Met (NM_001352252.2); short protein forms T287M, T549M.
Identifiers: ClinVar variation 1309809 (VCV001309809.9), dbSNP rs371625448, ClinGen allele CA7051565.

ClinVar aggregate classification (germline): Uncertain significance. Review status: criteria provided, multiple submitters, no conflicts (2 of 4 stars). 3 submissions from 3 submitters: Uncertain significance (3). Last evaluated 2024-12-17.

Conditions:
Inborn genetic diseases. Identifiers: MedGen C0950123, MeSH D030342.
Combined oxidative phosphorylation defect type 27. Also called: Combined oxidative phosphorylation deficiency 27. Identifiers: Orphanet 477774, MedGen C5567608, MONDO:0014728, OMIM 616672.

Allele frequency attached by ClinVar (database versions not stated): ExAC 0.00001; gnomAD exomes 0.00002 and 0.00004; gnomAD 0.00004; TOPMed 0.00004; ESP Exome Variant Server 0.00008.
gnomAD v4.1: 38 of 1,613,798 alleles (0.0024%); highest among the groups gnomAD compares: South Asian, 0.012%; no homozygotes.

Submissions (3):

Ambry Genetics
Classification: Uncertain significance for Inborn genetic diseases. Last evaluated: 2024-12-17. Review status: criteria provided, single submitter. Criteria: Ambry Variant Classification Scheme 2023. Collection method: clinical testing. Allele origin: germline.

Labcorp Genetics (formerly Invitae), Labcorp
Classification: Uncertain significance for Combined oxidative phosphorylation defect type 27. Last evaluated: 2024-10-16. Review status: criteria provided, single submitter. Criteria: Invitae Variant Classification Sherloc (09022015). Collection method: clinical testing. Allele origin: germline.
Comment: This sequence change replaces threonine, which is neutral and polar, with methionine, which is neutral and non-polar, at codon 549 of the CARS2 protein (p.Thr549Met). This variant is present in population databases (rs371625448, gnomAD 0.02%). This variant has not been reported in the literature in individuals affected with CARS2-related conditions. ClinVar contains an entry for this variant (Variation ID: 1309809). Invitae Evidence Modeling of protein sequence and biophysical properties (such as structural, functional, and spatial information, amino acid conservation, physicochemical variation, residue mobility, and thermodynamic stability) has been performed for this missense variant. However, the output from this modeling did not meet the statistical confidence thresholds required to predict the impact of this variant on CARS2 protein function. In summary, the available evidence is currently insufficient to determine the role of this variant in disease. Therefore, it has been classified as a Variant of Uncertain Significance.

GeneDx
Classification: Uncertain significance. Last evaluated: 2019-11-01. Review status: criteria provided, single submitter. Criteria: GeneDx Variant Classification Process June 2021. Collection method: clinical testing. Allele origin: germline. Affected: yes.
Comment: Not observed at a significant frequency in large population cohorts (Lek et al., 2016); In silico analysis, which includes protein predictors and evolutionary conservation, supports a deleterious effect; Has not been previously published as pathogenic or benign to our knowledge